The following is an entry in ClinVar:

ClinVar aggregate classification (germline): Pathogenic (1 of 4 stars; one submission).

Conditions:
Autosomal recessive limb-girdle muscular dystrophy type 2F (LGMDR6). Also called: MUSCULAR DYSTROPHY, LIMB-GIRDLE, AUTOSOMAL RECESSIVE 6; Muscular dystrophy limb-girdle with delta-sarcoglyan deficiency. Identifiers: Orphanet 219, MedGen C1832525, MONDO:0011028, OMIM 601287. Disease mechanism: Affects gamma-sarcoglycan and also disrupts the integrity of the entire sarcoglycan complex..

Submission:

Labcorp Genetics (formerly Invitae), Labcorp
Classification: Pathogenic for Autosomal recessive limb-girdle muscular dystrophy type 2F. Last evaluated: 2023-03-20. Review status: criteria provided, single submitter. Criteria: Invitae Variant Classification Sherloc (09022015). Collection method: clinical testing. Allele origin: germline.
Comment: This sequence change creates a premature translational stop signal (p.Pro181*) in the SGCD gene. It is expected to result in an absent or disrupted protein product. Loss-of-function variants in SGCD are known to be pathogenic (PMID: 8841194, 10735275, 10838250). This variant is not present in population databases (gnomAD no frequency). This variant has not been reported in the literature in individuals affected with SGCD-related conditions. Algorithms developed to predict the effect of sequence changes on RNA splicing suggest that this variant may disrupt the consensus splice site. For these reasons, this variant has been classified as Pathogenic.

Literature cited by the submitters: PubMed 8841194; PubMed 10735275; PubMed 10838250.

NM_000337.6(SGCD):c.540_541del (p.Thr180_Pro181insTer)

Gene: SGCD (sarcoglycan delta; plus strand). Cytogenetic location: 5q33.3.
Variant type: Microsatellite.
Coding change: c.540_541del on transcript NM_000337.6 (MANE Select); coding-DNA positions 540 to 541, 2 bases deleted (AC; older notation c.540_541delAC).
Protein change: p.Thr180_Pro181insTer.
Molecular consequence: frameshift variant.
Genome position (GRCh38, 1-based): chr5:156,647,501-156,647,502, AC deleted; deleting any 2 consecutive bases within chr5:156,647,499-156,647,502 gives the same sequence; the c. name uses the placement nearest the transcript's 3' end. VCF-style (leftmost placement, unchanged base first): chr5-156647498-AAC-A. GRCh37 (hg19) VCF-style: chr5-156074508-AAC-A.
Other names: c.537_538del, p.Thr179_Pro180insTer (NM_001128209.2); c.540_541del, p.Thr180_Pro181insTer (NM_172244.3).
Identifiers: ClinVar variation 2835886 (VCV002835886.3), dbSNP rs2480472838, ClinGen allele CA2739272761.